The following is an entry in ClinVar:

NM_001329943.3(KIAA0586):c.1187G>A (p.Ser396Asn)

Gene: KIAA0586 (KIAA0586; plus strand). Cytogenetic location: 14q23.1.
Variant type: single nucleotide variant.
Coding change: c.1187G>A on transcript NM_001329943.3 (MANE Select); coding-DNA position 1187, G replaced by A.
Protein change: p.Ser396Asn; replaces serine 396 with asparagine.
Molecular consequence: missense variant.
Genome position (GRCh38, 1-based): chr14:58,453,407, G>A. VCF-style: chr14-58453407-G-A. GRCh37 (hg19) VCF-style: chr14-58920125-G-A.
Other names: c.1346G>A, p.Ser449Asn (NM_001244189.2); c.1142G>A, p.Ser381Asn (NM_001244190.2); c.932G>A, p.Ser311Asn (NM_001244191.2, NM_001329945.2, NM_001364700.1 and 1 more transcripts); c.1055G>A, p.Ser352Asn (NM_001244192.2); c.767G>A, p.Ser256Asn (NM_001244193.2); c.1187G>A, p.Ser396Asn (NM_001329944.2, NM_001329946.2, NM_001329947.2 and 1 more transcripts); short protein forms S256N, S396N, S352N, S381N, S311N, S449N.
Identifiers: ClinVar variation 1474253 (VCV001474253.4), dbSNP rs1349839476, ClinGen allele CA389866809.

ClinVar aggregate classification (germline): Uncertain significance (1 of 4 stars; one submission).

Conditions:
Joubert syndrome 23 (JBTS23). Identifiers: Orphanet 475, MedGen C4084822, MONDO:0014664, OMIM 616490.
Short-rib thoracic dysplasia 14 with polydactyly (SRTD14). Identifiers: Orphanet 397715, MedGen C4225286, MONDO:0014688, OMIM 616546.

Allele frequency attached by ClinVar (database versions not stated): gnomAD exomes below 0.00001; TOPMed below 0.00001.
gnomAD v4.1: 2 of 1,481,936 alleles (0.00013%); highest among the groups gnomAD compares: Admixed American, 0.0022%; no homozygotes.

Submission:

Labcorp Genetics (formerly Invitae), Labcorp
Classification: Uncertain significance for Joubert syndrome 23; Short-rib thoracic dysplasia 14 with polydactyly. Last evaluated: 2021-08-23. Review status: criteria provided, single submitter. Criteria: Invitae Variant Classification Sherloc (09022015). Collection method: clinical testing. Allele origin: germline.
Comment: In summary, the available evidence is currently insufficient to determine the role of this variant in disease. Therefore, it has been classified as a Variant of Uncertain Significance. Algorithms developed to predict the effect of missense changes on protein structure and function output the following: SIFT: "Tolerated"; PolyPhen-2: "Benign"; Align-GVGD: "Class C0". The asparagine amino acid residue is found in multiple mammalian species, which suggests that this missense change does not adversely affect protein function. This variant has not been reported in the literature in individuals affected with KIAA0586-related conditions. This variant is not present in population databases (ExAC no frequency). This sequence change replaces serine with asparagine at codon 449 of the KIAA0586 protein (p.Ser449Asn). The serine residue is moderately conserved and there is a small physicochemical difference between serine and asparagine.